The following is an entry in ClinVar:

ClinVar aggregate classification (germline): Uncertain significance (1 of 4 stars; one submission).

Conditions:
Holocarboxylase synthetase deficiency. Also called: MULTIPLE CARBOXYLASE DEFICIENCY, EARLY ONSET. Identifiers: Orphanet 79242, MedGen C0268581, MONDO:0009666, OMIM 253270.

Allele frequency attached by ClinVar (database versions not stated): gnomAD exomes below 0.00001.
gnomAD v4.1: 1 of 1,614,038 alleles (0.000062%); highest among the groups gnomAD compares: Non-Finnish European, 0.000085%; no homozygotes.

Submission:

Labcorp Genetics (formerly Invitae), Labcorp
Classification: Uncertain significance for Holocarboxylase synthetase deficiency. Last evaluated: 2022-06-13. Review status: criteria provided, single submitter. Criteria: Invitae Variant Classification Sherloc (09022015). Collection method: clinical testing. Allele origin: germline.
Comment: This sequence change replaces lysine, which is basic and polar, with threonine, which is neutral and polar, at codon 15 of the HLCS protein (p.Lys15Thr). This variant is not present in population databases (gnomAD no frequency). This variant has not been reported in the literature in individuals affected with HLCS-related conditions. Advanced modeling of protein sequence and biophysical properties (such as structural, functional, and spatial information, amino acid conservation, physicochemical variation, residue mobility, and thermodynamic stability) performed at Invitae indicates that this missense variant is expected to disrupt HLCS protein function. In summary, the available evidence is currently insufficient to determine the role of this variant in disease. Therefore, it has been classified as a Variant of Uncertain Significance.

NM_001352514.2(HLCS):c.485A>C (p.Lys162Thr)

Gene: HLCS (holocarboxylase synthetase; minus strand). Cytogenetic location: 21q22.13.
Variant type: single nucleotide variant.
Coding change: c.485A>C on transcript NM_001352514.2 (MANE Select); coding-DNA position 485, A replaced by C.
Protein change: p.Lys162Thr; replaces lysine 162 with threonine.
Molecular consequence: missense variant. On other transcripts: non-coding transcript variant (2).
Genome position (GRCh38, 1-based): chr21:36,938,840, T>G on the plus strand (A>C on the coding strand, the complement: HLCS is on the minus strand). VCF-style: chr21-36938840-T-G. GRCh37 (hg19) VCF-style: chr21-38311140-T-G.
Other names: c.44A>C, p.Lys15Thr (NM_000411.8, NM_001242784.3, NM_001242785.2 and 4 more transcripts); short protein forms K15T, K162T.
Identifiers: ClinVar variation 2117974 (VCV002117974.1), dbSNP rs2517590908, ClinGen allele CA409914461.